The following is an entry in ClinVar:

NM_000169.3(GLA):c.143A>G (p.Glu48Gly)

Genes: GLA (galactosidase alpha; minus strand), RPL36A-HNRNPH2 (RPL36A-HNRNPH2 readthrough; plus strand). Cytogenetic location: Xq22.1.
Variant type: single nucleotide variant.
Coding change: c.143A>G on transcript NM_000169.3 (MANE Select); coding-DNA position 143, A replaced by G.
Protein change: p.Glu48Gly; replaces glutamic acid 48 with glycine.
Molecular consequence: missense variant. On other transcripts: non-coding transcript variant (3), intron variant (2).
Genome position (GRCh38, 1-based): chrX:101,407,761, T>C on the plus strand (A>G on the coding strand, the complement: GLA is on the minus strand). VCF-style: chrX-101407761-T-C. GRCh37 (hg19) VCF-style: chrX-100662749-T-C.
Other names: c.143A>G, p.Glu48Gly (NM_001406747.1, NM_001406748.1, NM_001406749.1); c.301-4175T>C (NM_001199973.2); c.178-4175T>C (NM_001199974.2); short protein forms E48G.
Identifiers: ClinVar variation 4087682 (VCV004087682.2).

ClinVar aggregate classification (germline): Likely pathogenic (1 of 4 stars; one submission).

Conditions:
Fabry disease. Also called: ALPHA-GALACTOSIDASE A DEFICIENCY; ANDERSON-FABRY DISEASE; CERAMIDE TRIHEXOSIDASE DEFICIENCY; GLA DEFICIENCY; HEREDITARY DYSTOPIC LIPIDOSIS; Angiokeratoma corporis diffusum. Identifiers: Orphanet 324, MedGen C0002986, MONDO:0010526, OMIM 301500, HP:0001071. Disease mechanism: Fabry disease is due to inactivating mutations in the X-linked GLA gene resulting in deficiency of the enzyme Alpha Galactosidase-A., loss of function.

Submission:

Genomenon, Inc
Classification: Likely pathogenic for Fabry disease. Last evaluated: 2026-09-08. Review status: criteria provided, single submitter. Criteria: Genomenon Sequence Variant Interpretation Standards - Updated. Collection method: curation. Allele origin: germline. Affected: yes.
Comment: GLA p.Glu48Gly (c.143A>G) is a missense variant that changes the amino acid at codon 48 from Glutamic acid to Glycine. This variant has been observed in at least one proband with clinical features consistent with Fabry disease (PMID:38002959;33527381). The variant was found to segregate with disease in at least one affected family (PMID:38002959). Functional or patient cell studies have been reported (PMID:33527381). This variant is located in a mutational hotspot and/or important functional domain. It is absent or not present at a significant frequency in gnomAD. In silico models predict that this variant is possibly or probably damaging. In conclusion, we classify GLA p.Glu48Gly (c.143A>G) as a likely pathogenic variant.

Literature cited by the submitters: PubMed 38002959; PubMed 33527381.